The following is an entry in ClinVar:

ClinVar aggregate classification (germline): Uncertain significance (0 of 4 stars; one submission).

Conditions:
ABCG8-related disorder. Also called: ABCG8-related condition.

Submission:

PreventionGenetics, part of Exact Sciences
Classification: Uncertain significance for ABCG8-related condition. Last evaluated: 2024-07-26. Review status: no assertion criteria provided. Collection method: clinical testing. Allele origin: germline.
Comment: The ABCG8 c.928C>G variant is predicted to result in the amino acid substitution p.Pro310Ala. To our knowledge, this variant has not been reported in the literature or in a large population database, indicating this variant is rare. At this time, the clinical significance of this variant is uncertain due to the absence of conclusive functional and genetic evidence.

NM_022437.3(ABCG8):c.928C>G (p.Pro310Ala)

Gene: ABCG8 (ATP binding cassette subfamily G member 8; plus strand). Cytogenetic location: 2p21.
Variant type: single nucleotide variant.
Coding change: c.928C>G on transcript NM_022437.3 (MANE Select); coding-DNA position 928, C replaced by G.
Protein change: p.Pro310Ala; replaces proline 310 with alanine.
Molecular consequence: missense variant.
Genome position (GRCh38, 1-based): chr2:43,852,832, C>G. VCF-style: chr2-43852832-C-G. GRCh37 (hg19) VCF-style: chr2-44079971-C-G.
Other names: c.928C>G, p.Pro310Ala (NM_001357321.2); short protein forms P310A.
Identifiers: ClinVar variation 3357602 (VCV003357602.1).
Genomic context (GRCh38, chr2:43,852,832, plus strand): 5'-ACCCCCATCTACTTAGGGGCGGCCCAGCACATGGTCCAGTATTTCACAGCCATCGGCTAC[C>G]CCTGTCCTCGCTACAGCAATCCTGCTGACTTCTATGGTGAGTCCCCAAGGCCAGCAGCCA-3'
Protein context (NP_071882.1, residues 300-320): MVQYFTAIGY[Pro310Ala]CPRYSNPADF